The following is an entry in ClinVar:

ClinVar aggregate classification (germline): Conflicting classifications of pathogenicity. Review status: criteria provided, conflicting classifications (1 of 4 stars). 7 submissions from 7 submitters: Uncertain significance (5); Likely benign (1). 1 of the submissions does not count toward it. Last evaluated 2025-08-03.

Conditions:
Alpha-methylacyl-CoA racemase deficiency (AMACRD). Also called: AMACR deficiency. Identifiers: Orphanet 79095, MedGen C3280428, MONDO:0013681, OMIM 614307. Disease mechanism: loss of function.
AMACR-related disorder. Also called: AMACR-related condition; AMACR-Related Disorders.
Inborn genetic diseases. Identifiers: MedGen C0950123, MeSH D030342.
Congenital bile acid synthesis defect 4 (CBAS4). Also called: CHOLESTASIS, INTRAHEPATIC, WITH DEFECTIVE CONVERSION OF TRIHYDROXYCOPROSTANIC ACID TO CHOLIC ACID; TRIHYDROXYCOPROSTANIC ACID IN BILE. Identifiers: Orphanet 79095, MedGen C1858328, MONDO:0008967, OMIM 214950.

Allele frequency attached by ClinVar (database versions not stated): gnomAD 0.00022; ESP Exome Variant Server 0.00023; TOPMed 0.00033; 1000 Genomes Project 30x 0.00078; 1000 Genomes Project 0.00100; gnomAD exomes 0.00010.
gnomAD v4.1: 190 of 1,614,202 alleles (0.012%); highest among the groups gnomAD compares: African/African-American, 0.12%; no homozygotes.

Submissions (7):

Ambry Genetics
Classification: Likely benign for Inborn genetic diseases. Last evaluated: 2025-08-03. Review status: criteria provided, single submitter. Criteria: Ambry Variant Classification Scheme 2023. Collection method: clinical testing. Allele origin: germline.

Labcorp Genetics (formerly Invitae), Labcorp
Classification: Uncertain significance for Alpha-methylacyl-CoA racemase deficiency. Last evaluated: 2024-12-02. Review status: criteria provided, single submitter. Criteria: Invitae Variant Classification Sherloc (09022015). Collection method: clinical testing. Allele origin: germline.
Comment: This sequence change replaces methionine, which is neutral and non-polar, with isoleucine, which is neutral and non-polar, at codon 261 of the AMACR protein (p.Met261Ile). This variant is present in population databases (rs9282593, gnomAD 0.08%). This variant has not been reported in the literature in individuals affected with AMACR-related conditions. ClinVar contains an entry for this variant (Variation ID: 502794). Invitae Evidence Modeling of protein sequence and biophysical properties (such as structural, functional, and spatial information, amino acid conservation, physicochemical variation, residue mobility, and thermodynamic stability) indicates that this missense variant is not expected to disrupt AMACR protein function with a negative predictive value of 80%. In summary, the available evidence is currently insufficient to determine the role of this variant in disease. Therefore, it has been classified as a Variant of Uncertain Significance.

Blueprint Genetics
Classification: Uncertain significance. Last evaluated: 2024-11-26. Review status: criteria provided, single submitter. Criteria: ACMG Guidelines, 2015. Collection method: clinical testing. Allele origin: germline.

Fulgent Genetics
Classification: Uncertain significance for Congenital bile acid synthesis defect 4; Alpha-methylacyl-CoA racemase deficiency. Last evaluated: 2018-10-31. Review status: criteria provided, single submitter. Criteria: ACMG Guidelines, 2015. Collection method: clinical testing. Allele origin: unknown.

Eurofins Ntd Llc (ga)
Classification: Uncertain significance. Last evaluated: 2017-06-29. Review status: criteria provided, single submitter. Criteria: EGL Classification Definitions 2015. Collection method: clinical testing. Allele origin: germline. Observed: 3 variant alleles, 3 heterozygotes.

Illumina Laboratory Services, Illumina
Classification: Uncertain significance for Alpha-methylacyl-CoA racemase deficiency. Last evaluated: 2017-04-28. Review status: criteria provided, single submitter. Criteria: ICSL Variant Classification Criteria 13 December 2019. Collection method: clinical testing. Allele origin: germline.

PreventionGenetics, part of Exact Sciences
Classification: Uncertain significance for AMACR-related condition. Last evaluated: 2024-06-21. Review status: no assertion criteria provided. Collection method: clinical testing. Allele origin: germline. Not counted in ClinVar's aggregate classification.
Comment: The AMACR c.783G>A variant is predicted to result in the amino acid substitution p.Met261Ile. To our knowledge, this variant has not been reported in the literature. This variant is reported in 0.076% of alleles in individuals of African descent in gnomAD. Although we suspect that this variant may be benign, at this time, the clinical significance of this variant is uncertain due to the absence of conclusive functional and genetic evidence.

NM_014324.6(AMACR):c.783G>A (p.Met261Ile)

Genes: C1QTNF3-AMACR (C1QTNF3-AMACR readthrough (NMD candidate); minus strand), AMACR (alpha-methylacyl-CoA racemase; minus strand). Cytogenetic location: 5p13.2.
Variant type: single nucleotide variant.
Coding change: c.783G>A on transcript NM_014324.6 (MANE Select); coding-DNA position 783, G replaced by A.
Protein change: p.Met261Ile; replaces methionine 261 with isoleucine.
Molecular consequence: missense variant. On other transcripts: non-coding transcript variant (1), 3 prime UTR variant (1).
Genome position (GRCh38, 1-based): chr5:33,989,459, C>T on the plus strand (G>A on the coding strand, the complement: AMACR is on the minus strand). VCF-style: chr5-33989459-C-T. GRCh37 (hg19) VCF-style: chr5-33989564-C-T.
Other names: c.783G>A, p.Met261Ile (NM_001167595.2); c.*25G>A (NM_203382.3); short protein forms M261I.
Identifiers: ClinVar variation 502794 (VCV000502794.16), dbSNP rs9282593, ClinGen allele CA3226026.